The following is an entry in ClinVar:

NM_015103.3(PLXND1):c.1795C>T (p.Arg599Cys)

Gene: PLXND1 (plexin D1; minus strand). Cytogenetic location: 3q22.1.
Variant type: single nucleotide variant.
Coding change: c.1795C>T on transcript NM_015103.3 (MANE Select); coding-DNA position 1795, C replaced by T.
Protein change: p.Arg599Cys; replaces arginine 599 with cysteine.
Molecular consequence: missense variant.
Genome position (GRCh38, 1-based): chr3:129,586,008, G>A on the plus strand (C>T on the coding strand, the complement: PLXND1 is on the minus strand). VCF-style: chr3-129586008-G-A. GRCh37 (hg19) VCF-style: chr3-129304851-G-A.
Other names: short protein forms R599C.
Identifiers: ClinVar variation 723395 (VCV000723395.6), dbSNP rs538120639, ClinGen allele CA2609246.
Genomic context (GRCh38, chr3:129,586,008, plus strand): 5'-TCACTGGGTACTCCTGGCGCACATCGATCTCGGAAGGCAGGACGGTCATGGCAGGACAGC[G>A]GCTGGGGCCCTCGCTGGCACTGGTCCAGAAATGCTGCTGGCTGGAATTGGTGCAGTCCTG-3'
Protein context (NP_055918.3, residues 589-609): FWTSASEGPS[Arg599Cys]CPAMTVLPSE

ClinVar aggregate classification (germline): Likely benign. Review status: criteria provided, single submitter (1 of 4 stars). 2 submissions from 2 submitters: Likely benign (1). 1 of the submissions does not count toward it. Last evaluated 2019-12-31.

Conditions:
PLXND1-related disorder. Also called: PLXND1-related condition.

Allele frequency attached by ClinVar (database versions not stated): TOPMed 0.00012; gnomAD exomes 0.00043 and 0.00020; gnomAD 0.00006 and 0.00017; ExAC 0.00046; 1000 Genomes Project 30x 0.00078; 1000 Genomes Project 0.00100.

Submissions (2):

Labcorp Genetics (formerly Invitae), Labcorp
Classification: Likely benign. Last evaluated: 2019-12-31. Review status: criteria provided, single submitter. Criteria: Invitae Variant Classification Sherloc (09022015). Collection method: clinical testing. Allele origin: germline.

PreventionGenetics, part of Exact Sciences
Classification: Likely benign for PLXND1-related condition. Last evaluated: 2022-09-26. Review status: no assertion criteria provided. Collection method: clinical testing. Allele origin: germline. Not counted in ClinVar's aggregate classification.
Comment: This variant is classified as likely benign based on ACMG/AMP sequence variant interpretation guidelines (Richards et al. 2015 PMID: 25741868, with internal and published modifications).